The following is an entry in ClinVar:

ClinVar aggregate classification (germline): Uncertain significance (0 of 4 stars; one submission).

Conditions:
DTNA-related disorder. Also called: DTNA-related condition.

Allele frequency attached by ClinVar (database versions not stated): gnomAD exomes 0.00004; ExAC 0.00005; gnomAD 0.00005; TOPMed 0.00006; ESP Exome Variant Server 0.00008.
gnomAD v4.1: 64 of 1,613,942 alleles (0.004%); highest among the groups gnomAD compares: Middle Eastern, 0.016%; 1 homozygote.

Submission:

PreventionGenetics, part of Exact Sciences
Classification: Uncertain significance for DTNA-related condition. Last evaluated: 2023-12-13. Review status: no assertion criteria provided. Collection method: clinical testing. Allele origin: germline.
Comment: The DTNA c.1102G>A variant is predicted to result in the amino acid substitution p.Gly368Ser. This variant is referred to as c.1094+1372G>A (intronic) with an alternate transcript NM_001390. To our knowledge, this variant has not been reported in the literature. This variant is reported in 0.0079% of alleles in individuals of European (Non-Finnish) descent in gnomAD. At this time, the clinical significance of this variant is uncertain due to the absence of conclusive functional and genetic evidence.

NM_001386795.1(DTNA):c.1086-352G>A

Gene: DTNA (dystrobrevin alpha; plus strand). Cytogenetic location: 18q12.1.
Variant type: single nucleotide variant.
Coding change: c.1086-352G>A on transcript NM_001386795.1 (MANE Select); 352 bases into the intron before coding-DNA position 1086, G replaced by A.
Molecular consequence: intron variant. On other transcripts: missense variant (5).
Genome position (GRCh38, 1-based): chr18:34,829,048, G>A. VCF-style: chr18-34829048-G-A. GRCh37 (hg19) VCF-style: chr18-32409012-G-A.
Other names: c.1093G>A, p.Gly365Ser (NM_001128175.2, NM_001386776.1, NM_001386777.1); c.1102G>A, p.Gly368Ser (NM_001386775.1, NM_001392.5); c.1094+1372G>A (NM_032975.4, NM_001386761.1, NM_001386762.1 and 3 more transcripts); c.1086-352G>A (NM_001386754.1, NM_001386755.1, NM_001386760.1 and 6 more transcripts); c.1085+1372G>A (NM_001386763.1, NM_001386764.1, NM_001386768.1 and 14 more transcripts); c.603+16935G>A (NM_001198945.2); c.335+1372G>A (NM_001198943.1); c.132-352G>A (NM_001198942.1, NM_001198944.1); and 2 more; short protein forms G365S, G368S.
Identifiers: ClinVar variation 3032690 (VCV003032690.2), dbSNP rs373014873, ClinGen allele CA8935588.